The following is an entry in ClinVar:

NM_016148.5(SHANK1):c.4022C>T (p.Pro1341Leu)

Gene: SHANK1 (SH3 and multiple ankyrin repeat domains 1; minus strand). Cytogenetic location: 19q13.33.
Variant type: single nucleotide variant.
Coding change: c.4022C>T on transcript NM_016148.5 (MANE Select); coding-DNA position 4022, C replaced by T.
Protein change: p.Pro1341Leu; replaces proline 1341 with leucine.
Molecular consequence: missense variant.
Genome position (GRCh38, 1-based): chr19:50,667,938, G>A on the plus strand (C>T on the coding strand, the complement: SHANK1 is on the minus strand). VCF-style: chr19-50667938-G-A. GRCh37 (hg19) VCF-style: chr19-51171195-G-A.
Other names: short protein forms P1341L.
Identifiers: ClinVar variation 1331630 (VCV001331630.5), dbSNP rs1027712825, ClinGen allele CA309626989.

ClinVar aggregate classification (germline): Uncertain significance. Review status: criteria provided, multiple submitters, no conflicts (2 of 4 stars). 2 submissions from 2 submitters: Uncertain significance (2). Last evaluated 2024-04-06.

Conditions:
Inborn genetic diseases. Identifiers: MedGen C0950123, MeSH D030342.

Allele frequency attached by ClinVar (database versions not stated): gnomAD 0.00001; gnomAD exomes 0.00001; TOPMed 0.00002.
gnomAD v4.1: 13 of 1,372,586 alleles (0.00095%); highest among the groups gnomAD compares: African/African-American, 0.0031%; no homozygotes.

Submissions (2):

Ambry Genetics
Classification: Uncertain significance for Inborn genetic diseases. Last evaluated: 2024-04-06. Review status: criteria provided, single submitter. Criteria: Ambry Variant Classification Scheme 2023. Collection method: clinical testing. Allele origin: germline.

Greenwood Genetic Center Diagnostic Laboratories, Greenwood Genetic Center
Classification: Uncertain significance. Last evaluated: 2021-01-06. Review status: criteria provided, single submitter. Criteria: ACMG Guidelines, 2015. Collection method: clinical testing. Allele origin: germline. Affected: yes.
Comment: PM2